The following is an entry in ClinVar:

ClinVar aggregate classification (germline): Pathogenic (1 of 4 stars; one submission).

Conditions:
Ataxia-telangiectasia syndrome (AT). Also called: ATAXIA-TELANGIECTASIA, COMPLEMENTATION GROUP A; ATAXIA-TELANGIECTASIA, FRESNO VARIANT; Ataxia-telangiectasia; Ataxia-telangiectasia, complementation group D; Ataxia-telangiectasia, complementation group E; AT, COMPLEMENTATION GROUP C. Identifiers: Orphanet 100, MedGen C0004135, MONDO:0008840, OMIM 208900.

Submission:

Labcorp Genetics (formerly Invitae), Labcorp
Classification: Pathogenic for Ataxia-telangiectasia syndrome. Last evaluated: 2024-12-02. Review status: criteria provided, single submitter. Criteria: Invitae Variant Classification Sherloc (09022015). Collection method: clinical testing. Allele origin: germline.
Comment: This sequence change creates a premature translational stop signal (p.Tyr1603*) in the ATM gene. It is expected to result in an absent or disrupted protein product. Loss-of-function variants in ATM are known to be pathogenic (PMID: 23807571, 25614872). This variant is not present in population databases (gnomAD no frequency). This variant has not been reported in the literature in individuals affected with ATM-related conditions. For these reasons, this variant has been classified as Pathogenic.

Literature cited by the submitters: PubMed 23807571; PubMed 25614872.

NM_000051.4(ATM):c.4809T>A (p.Tyr1603Ter)

Gene: ATM (ATM serine/threonine kinase; plus strand). Cytogenetic location: 11q22.3.
Variant type: single nucleotide variant.
Coding change: c.4809T>A on transcript NM_000051.4 (MANE Select); coding-DNA position 4809, T replaced by A.
Protein change: p.Tyr1603Ter; replaces tyrosine 1603 with a stop codon.
Molecular consequence: nonsense.
Genome position (GRCh38, 1-based): chr11:108,294,959, T>A. VCF-style: chr11-108294959-T-A. GRCh37 (hg19) VCF-style: chr11-108165686-T-A.
Other names: c.4809T>A, p.Tyr1603Ter (NM_001351834.2); short protein forms Y1603*.
Identifiers: ClinVar variation 3726459 (VCV003726459.2).